The following is an entry in ClinVar:

NM_000059.4(BRCA2):c.4244A>G (p.Glu1415Gly)

Gene: BRCA2 (BRCA2 DNA repair associated; plus strand). Cytogenetic location: 13q13.1.
Variant type: single nucleotide variant.
Coding change: c.4244A>G on transcript NM_000059.4 (MANE Select); coding-DNA position 4244, A replaced by G.
Protein change: p.Glu1415Gly; replaces glutamic acid 1415 with glycine.
Molecular consequence: missense variant.
Genome position (GRCh38, 1-based): chr13:32,338,599, A>G. VCF-style: chr13-32338599-A-G. GRCh37 (hg19) VCF-style: chr13-32912736-A-G.
Other names: short protein forms E1415G.
Identifiers: ClinVar variation 409448 (VCV000409448.20), dbSNP rs1060502399, ClinGen allele CA16613961.
Genomic context (GRCh38, chr13:32,338,599, plus strand): 5'-CTCAAGAAGCATGTCATGGTAATACTTCAAATAAAGAACAGTTAACTGCTACTAAAACGG[A>G]GCAAAATATAAAAGATTTTGAGACTTCTGATACATTTTTTCAGACTGCAAGTGGGAAAAA-3'
Protein context (NP_000050.3, residues 1405-1425): NKEQLTATKT[Glu1415Gly]QNIKDFETSD

ClinVar aggregate classification (germline): Conflicting classifications of pathogenicity. Review status: criteria provided, conflicting classifications (1 of 4 stars). 7 submissions from 7 submitters: Uncertain significance (6); Likely benign (1). Last evaluated 2025-05-01.

Conditions:
Hereditary cancer-predisposing syndrome. Also called: Tumor predisposition; Hereditary Cancer Syndrome; Hereditary neoplastic syndrome; Neoplastic Syndromes, Hereditary. Identifiers: Orphanet 140162, MedGen C0027672, MeSH D009386, MONDO:0015356.
Hereditary breast ovarian cancer syndrome. Also called: Hereditary breast and ovarian cancer; Hereditary breast and/or ovarian cancer syndrome; BRCA1- and BRCA2-Associated Hereditary Breast and Ovarian Cancer; Hereditary breast and ovarian cancer syndrome; Hereditary breast and ovarian cancer syndrome (HBOC); Breast and ovarian cancer. Identifiers: Orphanet 145, MedGen C0677776, MeSH D061325, MONDO:0003582. Disease mechanism: loss of function.
Familial cancer of breast. Also called: BREAST CANCER, FAMILIAL; Hereditary breast cancer; hereditary breast carcinoma. Identifiers: Orphanet 227535, MedGen C0346153, MONDO:0016419, OMIM 114480. Disease mechanism: loss of function.

Allele frequency attached by ClinVar (database versions not stated): gnomAD exomes below 0.00001 and 0.00001; TOPMed below 0.00001; gnomAD 0.00001.
gnomAD v4.1: 3 of 1,596,274 alleles (0.00019%); highest among the groups gnomAD compares: African/African-American, 0.004%; no homozygotes.

Submissions (7):

Color Diagnostics, LLC DBA Color Health
Classification: Uncertain significance for Hereditary cancer-predisposing syndrome. Last evaluated: 2025-05-01. Review status: criteria provided, single submitter. Criteria: ACMG Guidelines, 2015. Collection method: clinical testing. Allele origin: germline.
Comment: This missense variant replaces glutamic acid with glycine at codon 1415 of the BRCA2 protein. Computational prediction suggests that this variant may not impact protein structure and function. To our knowledge, functional studies have not been reported for this variant. This variant has been reported in an individual with a family or personal history of breast and/or ovarian cancer (PMID: 20960228) and detected in an individual age 70 or older with no history of cancer (FLOSSIES database). This variant has been identified in 2/242598 chromosomes in the general population by the Genome Aggregation Database (gnomAD). The available evidence is insufficient to determine the role of this variant in disease conclusively. Therefore, this variant is classified as a Variant of Uncertain Significance.

Ambry Genetics
Classification: Uncertain significance for Hereditary cancer-predisposing syndrome. Last evaluated: 2024-11-08. Review status: criteria provided, single submitter. Criteria: Ambry Variant Classification Scheme 2023. Collection method: clinical testing. Allele origin: germline.
Comment: The p.E1415G variant (also known as c.4244A>G), located in coding exon 10 of the BRCA2 gene, results from an A to G substitution at nucleotide position 4244. The glutamic acid at codon 1415 is replaced by glycine, an amino acid with similar properties. This alteration was detected in 1/250 high-risk Israeli women who underwent BRCA1/2 testing (Laitman Y et al. Breast Cancer Res Treat, 2011 Jun;127:489-95). Of note this alteration is also described in the literature as 4472 A to G. This amino acid position is not well conserved in available vertebrate species. In addition, this alteration is predicted to be tolerated by in silico analysis. Since supporting evidence is limited at this time, the clinical significance of this alteration remains unclear.

Labcorp Genetics (formerly Invitae), Labcorp
Classification: Uncertain significance for Hereditary breast ovarian cancer syndrome. Last evaluated: 2024-01-03. Review status: criteria provided, single submitter. Criteria: Invitae Variant Classification Sherloc (09022015). Collection method: clinical testing. Allele origin: germline.
Comment: This sequence change replaces glutamic acid, which is acidic and polar, with glycine, which is neutral and non-polar, at codon 1415 of the BRCA2 protein (p.Glu1415Gly). This variant is present in population databases (no rsID available, gnomAD 0.01%). This missense change has been observed in individual(s) with breast or ovarian cancer (PMID: 20960228). ClinVar contains an entry for this variant (Variation ID: 409448). Advanced modeling of protein sequence and biophysical properties (such as structural, functional, and spatial information, amino acid conservation, physicochemical variation, residue mobility, and thermodynamic stability) performed at Invitae indicates that this missense variant is not expected to disrupt BRCA2 protein function with a negative predictive value of 95%. In summary, the available evidence is currently insufficient to determine the role of this variant in disease. Therefore, it has been classified as a Variant of Uncertain Significance.

KCCC/NGS Laboratory, Kuwait Cancer Control Center
Classification: Uncertain significance for Familial cancer of breast. Last evaluated: 2023-09-13. Review status: criteria provided, single submitter. Criteria: ACMG Guidelines, 2015. Collection method: clinical testing. Allele origin: germline. Inheritance: Autosomal dominant inheritance. Affected: yes.
Comment: This sequence change replaces glutamic acid, which is acidic and polar, with glycine, which is neutral and non-polar, at codon 1415 of the BRCA2 protein (p.Glu1415Gly). This variant is present in population databases (no rsID available, gnomAD 0.01%). This missense change has been observed in individual(s) with breast or ovarian cancer (PMID: 20960228). ClinVar contains an entry for this variant (Variation ID: 409448). This amino acid position is not well conserved (PhyloP=0.27). In addition, this alteration is predicted to be tolerated by in silico analysis. In summary, the available evidence is currently insufficient to determine the role of this variant in disease. Therefore, it has been classified as a Variant of Uncertain Significance.

University of Washington Department of Laboratory Medicine, University of Washington
Classification: Likely benign for Hereditary cancer-predisposing syndrome. Last evaluated: 2023-03-23. Review status: criteria provided, single submitter. Criteria: Dines et al. (Genet Med. 2020). Collection method: curation. Allele origin: germline.
Comment: Missense variant in a coldspot region where missense variants are very unlikely to be pathogenic (PMID:31911673).

BRCA2 exon 11 coldspot. Reclassification based on statistical prior probability.

Women's Health and Genetics/Laboratory Corporation of America, LabCorp
Classification: Uncertain significance. Last evaluated: 2018-03-30. Review status: criteria provided, single submitter. Criteria: LabCorp Variant Classification Summary - May 2015. Collection method: clinical testing. Allele origin: germline.
Comment: Variant summary: BRCA2 c.4244A>G (p.Glu1415Gly) results in a non-conservative amino acid change in the encoded protein sequence. Four of five in-silico tools predict a benign effect of the variant on protein function. The variant allele was found at a frequency of 8.4e-06 in 238704 control chromosomes (gnomAD). This frequency is not higher than expected for a pathogenic variant in BRCA2 causing Hereditary Breast and Ovarian Cancer (8.4e-06 vs 7.50e-04), allowing no conclusion about variant significance. The variant, c.4244A>G has been reported in the literature in an individual affected with Hereditary Breast and Ovarian Cancer (Laitman 2011). This report does not provide unequivocal conclusions about association of the variant with Hereditary Breast and Ovarian Cancer. To our knowledge, no experimental evidence demonstrating an impact on protein function has been reported. Two clinical diagnostic laboratories have submitted clinical-significance assessments for this variant to ClinVar after 2014 without evidence for independent evaluation and classified the variant as uncertain significance. Based on the evidence outlined above, the variant was classified as uncertain significance.

GeneDx
Classification: Uncertain significance. Last evaluated: 2017-01-30. Review status: criteria provided, single submitter. Criteria: GeneDx Variant Classification (06012015). Collection method: clinical testing. Allele origin: germline. Affected: yes.
Comment: This variant is denoted BRCA2 c.4244A>G at the cDNA level, p.Glu1415Gly (E1415G) at the protein level, and results in the change of a Glutamic Acid to a Glycine (GAG>GGG). Using alternate nomenclature, this variant has been previously published as BRCA2 4472A>G. This variant was observed in at least one individual with a personal and/or family history of breast and/or ovarian cancer (Laitman 2011). BRCA2 Glu1415Gly was not observed in approximately 6,500 individuals of European and African American ancestry in the NHLBI Exome Sequencing Project, suggesting it is not a common benign variant in these populations. Since Glutamic Acid and Glycine differ in polarity, charge, size or other properties, this is considered a non-conservative amino acid substitution. BRCA2 Glu1415Gly occurs at a position that is not conserved and is located in the BRC3 functional domain as well as the RAD51 and POLH binding domains (Cole 2011, Roy 2012, Buisson 2014). In silico analyses are inconsistent regarding the effect this variant may have on protein structure and function. Based on currently available evidence, it is unclear whether BRCA2 Glu1415Gly is a pathogenic or benign variant. We consider it to be a variant of uncertain significance.

Literature cited by the submitters: PubMed 20960228 (cited by 4 submitters).